The following is an entry in ClinVar:

NM_005431.2(XRCC2):c.637T>C (p.Ser213Pro)

Gene: XRCC2 (X-ray repair cross complementing 2; minus strand). Cytogenetic location: 7q36.1.
Variant type: single nucleotide variant.
Coding change: c.637T>C on transcript NM_005431.2 (MANE Select); coding-DNA position 637, T replaced by C.
Protein change: p.Ser213Pro; replaces serine 213 with proline.
Molecular consequence: missense variant.
Genome position (GRCh38, 1-based): chr7:152,648,848, A>G on the plus strand (T>C on the coding strand, the complement: XRCC2 is on the minus strand). VCF-style: chr7-152648848-A-G. GRCh37 (hg19) VCF-style: chr7-152345933-A-G.
Other names: short protein forms S213P.
Identifiers: ClinVar variation 1753170 (VCV001753170.4), dbSNP rs2485880769, ClinGen allele CA370198270.

ClinVar aggregate classification (germline): Uncertain significance (1 of 4 stars; one submission).

Conditions:
Hereditary cancer-predisposing syndrome. Also called: Tumor predisposition; Hereditary Cancer Syndrome; Hereditary neoplastic syndrome; Neoplastic Syndromes, Hereditary. Identifiers: Orphanet 140162, MedGen C0027672, MeSH D009386, MONDO:0015356.

Allele frequency attached by ClinVar (database versions not stated): gnomAD exomes below 0.00001.
gnomAD v4.1: 1 of 1,613,754 alleles (0.000062%); highest among the groups gnomAD compares: South Asian, 0.0011%; no homozygotes.

Submission:

Ambry Genetics
Classification: Uncertain significance for Hereditary cancer-predisposing syndrome. Last evaluated: 2025-12-18. Review status: criteria provided, single submitter. Criteria: Ambry Variant Classification Scheme 2023. Collection method: clinical testing. Allele origin: germline.
Comment: The p.S213P variant (also known as c.637T>C), located in coding exon 3 of the XRCC2 gene, results from a T to C substitution at nucleotide position 637. The serine at codon 213 is replaced by proline, an amino acid with similar properties. This amino acid position is poorly conserved in available vertebrate species. In addition, this alteration is predicted to be tolerated by in silico analysis. Since supporting evidence is limited at this time, the clinical significance of this alteration remains unclear.